The following is an entry in ClinVar:

NM_173354.5(SIK1):c.1215G>A (p.Met405Ile)

Gene: SIK1 (salt inducible kinase 1; minus strand). Cytogenetic location: 21q22.3.
Variant type: single nucleotide variant.
Coding change: c.1215G>A on transcript NM_173354.5 (MANE Select); coding-DNA position 1215, G replaced by A.
Protein change: p.Met405Ile; replaces methionine 405 with isoleucine.
Molecular consequence: missense variant.
Genome position (GRCh38, 1-based): chr21:43,419,383, C>T on the plus strand (G>A on the coding strand, the complement: SIK1 is on the minus strand). VCF-style: chr21-43419383-C-T. GRCh37 (hg19) VCF-style: chr21-44839263-C-T.
Other names: p.Met405Ile; short protein forms M405I.
Identifiers: ClinVar variation 377139 (VCV000377139.50), dbSNP rs34987632, ClinGen allele CA16603280.

ClinVar aggregate classification (germline): Benign/Likely benign. Review status: criteria provided, multiple submitters, no conflicts (2 of 4 stars). 8 submissions from 8 submitters: Benign (4); Likely benign (4). Last evaluated 2026-09-01.

Conditions:
Developmental and epileptic encephalopathy, 30 (DEE30). Also called: Epileptic encephalopathy, early infantile, 30. Identifiers: MedGen C4225360, MONDO:0014595, OMIM 616341.
Inborn genetic diseases. Identifiers: MedGen C0950123, MeSH D030342.

Allele frequency attached by ClinVar (database versions not stated): 1000 Genomes Project 0.00140; gnomAD exomes 0.00384; ExAC 0.00409; gnomAD 0.00446; ESP Exome Variant Server 0.00523.

Submissions (8):

CeGaT Center for Human Genetics Tuebingen
Classification: Benign. Last evaluated: 2026-09-01. Review status: criteria provided, single submitter. Criteria: CeGaT Center For Human Genetics Tuebingen Variant Classification Criteria Version 2. Collection method: clinical testing. Allele origin: germline. Affected: yes. Observed: 31 variant alleles.
Comment: SIK1: BP4, BS1, BS2

Labcorp Genetics (formerly Invitae), Labcorp
Classification: Benign for Developmental and epileptic encephalopathy, 30. Last evaluated: 2026-01-31. Review status: criteria provided, single submitter. Criteria: Invitae Variant Classification Sherloc (09022015). Collection method: clinical testing. Allele origin: germline.

Fulgent Genetics
Classification: Likely benign for Developmental and epileptic encephalopathy, 30. Last evaluated: 2021-08-26. Review status: criteria provided, single submitter. Criteria: ACMG Guidelines, 2015. Collection method: clinical testing. Allele origin: unknown.

Mendelics
Classification: Likely benign for Developmental and epileptic encephalopathy, 30. Last evaluated: 2019-05-28. Review status: criteria provided, single submitter. Criteria: Mendelics Assertion Criteria 2017. Collection method: clinical testing. Allele origin: unknown.

Mayo Clinic Laboratories, Mayo Clinic
Classification: Benign. Last evaluated: 2019-02-20. Review status: criteria provided, single submitter. Criteria: ACMG Guidelines, 2015. Collection method: clinical testing. Allele origin: germline. Observed: 3 variant alleles.

Center for Pediatric Genomic Medicine, Children's Mercy Hospital and Clinics
Classification: Likely benign. Last evaluated: 2016-12-28. Review status: criteria provided, single submitter. Criteria: ACMG Guidelines, 2015. Collection method: clinical testing. Allele origin: germline.
ClinVar note: Converted during submission from Likely Benign to Likely benign.

Ambry Genetics
Classification: Benign for Inborn genetic diseases. Last evaluated: 2016-07-18. Review status: criteria provided, single submitter. Criteria: Ambry Variant Classification Scheme 2023. Collection method: clinical testing. Allele origin: germline.

Breakthrough Genomics
Classification: Likely benign. Review status: criteria provided, single submitter. Criteria: ACMG Guidelines, 2015. Collection method: not provided. Allele origin: germline. Inheritance: Autosomal dominant inheritance. Affected: yes.